The following is an entry in ClinVar:

ClinVar aggregate classification (germline): Uncertain significance. Review status: criteria provided, multiple submitters, no conflicts (2 of 4 stars). 3 submissions from 3 submitters: Uncertain significance (3). Last evaluated 2025-08-30.

Conditions:
Ataxia-telangiectasia syndrome (AT). Also called: Ataxia-telangiectasia, complementation group D; AT, COMPLEMENTATION GROUP C; Cerebello-oculocutaneous telangiectasia; Immunodeficiency with ataxia telangiectasia; Ataxia-telangiectasia, complementation group E; LOUIS-BAR SYNDROME. Identifiers: Orphanet 100, MedGen C0004135, MONDO:0008840, OMIM 208900.
Hereditary cancer-predisposing syndrome. Also called: Neoplastic Syndromes, Hereditary; Hereditary Cancer Syndrome; Tumor predisposition; Hereditary neoplastic syndrome. Identifiers: Orphanet 140162, MedGen C0027672, MeSH D009386, MONDO:0015356.

Allele frequency attached by ClinVar (database versions not stated): TOPMed below 0.00001.

Submissions (3):

Labcorp Genetics (formerly Invitae), Labcorp
Classification: Uncertain significance for Ataxia-telangiectasia syndrome. Last evaluated: 2025-08-30. Review status: criteria provided, single submitter. Criteria: Invitae Variant Classification Sherloc (09022015). Collection method: clinical testing. Allele origin: germline.
Comment: This sequence change replaces glutamine, which is neutral and polar, with arginine, which is basic and polar, at codon 446 of the ATM protein (p.Gln446Arg). This variant is not present in population databases (gnomAD no frequency). This variant has not been reported in the literature in individuals affected with ATM-related conditions. ClinVar contains an entry for this variant (Variation ID: 1463498). Invitae Evidence Modeling of protein sequence and biophysical properties (such as structural, functional, and spatial information, amino acid conservation, physicochemical variation, residue mobility, and thermodynamic stability) indicates that this missense variant is not expected to disrupt ATM protein function with a negative predictive value of 95%. In summary, the available evidence is currently insufficient to determine the role of this variant in disease. Therefore, it has been classified as a Variant of Uncertain Significance.

GeneDx
Classification: Uncertain significance. Last evaluated: 2024-04-02. Review status: criteria provided, single submitter. Criteria: GeneDx Variant Classification Process June 2021. Collection method: clinical testing. Allele origin: germline. Affected: yes.
Comment: Not observed at significant frequency in large population cohorts (gnomAD); In silico analysis supports that this missense variant does not alter protein structure/function; Has not been previously published as pathogenic or benign to our knowledge

Ambry Genetics
Classification: Uncertain significance for Hereditary cancer-predisposing syndrome. Last evaluated: 2024-02-22. Review status: criteria provided, single submitter. Criteria: Ambry Variant Classification Scheme 2023. Collection method: clinical testing. Allele origin: germline.
Comment: The p.Q446R variant (also known as c.1337A>G), located in coding exon 9 of the ATM gene, results from an A to G substitution at nucleotide position 1337. The glutamine at codon 446 is replaced by arginine, an amino acid with highly similar properties. This amino acid position is conserved. In addition, this alteration is predicted to be tolerated by in silico analysis. Based on the available evidence, the clinical significance of this alteration remains unclear.

NM_000051.4(ATM):c.1337A>G (p.Gln446Arg)

Gene: ATM (ATM serine/threonine kinase; plus strand). Cytogenetic location: 11q22.3.
Variant type: single nucleotide variant.
Coding change: c.1337A>G on transcript NM_000051.4 (MANE Select); coding-DNA position 1337, A replaced by G.
Protein change: p.Gln446Arg; replaces glutamine 446 with arginine.
Molecular consequence: missense variant.
Genome position (GRCh38, 1-based): chr11:108,250,802, A>G. VCF-style: chr11-108250802-A-G. GRCh37 (hg19) VCF-style: chr11-108121529-A-G.
Other names: c.1337A>G, p.Gln446Arg (NM_001351834.2); c.1337A>G (NM_000051.3); short protein forms Q446R.
Identifiers: ClinVar variation 1463498 (VCV001463498.10), dbSNP rs1292838154, ClinGen allele CA382533731.